The following is an entry in ClinVar:

NM_007186.6(CEP250):c.665G>T (p.Arg222Leu)

Gene: CEP250 (centrosomal protein 250; plus strand). Cytogenetic location: 20q11.22.
Variant type: single nucleotide variant.
Coding change: c.665G>T on transcript NM_007186.6 (MANE Select); coding-DNA position 665, G replaced by T.
Protein change: p.Arg222Leu; replaces arginine 222 with leucine.
Molecular consequence: missense variant. On other transcripts: 5 prime UTR variant (1).
Genome position (GRCh38, 1-based): chr20:35,467,369, G>T. VCF-style: chr20-35467369-G-T. GRCh37 (hg19) VCF-style: chr20-34055194-G-T.
Other names: c.-1235G>T (NM_001318219.1); short protein forms R222L.
Identifiers: ClinVar variation 1374256 (VCV001374256.7), dbSNP rs78174774, ClinGen allele CA9832685.
Genomic context (GRCh38, chr20:35,467,369, plus strand): 5'-TGATGGAGCTAAAAGCTGAGCATGTGAGGCTTTCAGGGTCTCTGTTGACCTGTTGTCTGC[G>T]CTTGACTGTGGGAGCACAGTCTCGGGAACCCAACGGATCTGGAAGAATGGATGGGCGGGA-3'
Protein context (NP_009117.2, residues 212-232): LSGSLLTCCL[Arg222Leu]LTVGAQSREP

ClinVar aggregate classification (germline): Uncertain significance. Review status: criteria provided, multiple submitters, no conflicts (2 of 4 stars). 2 submissions from 2 submitters: Uncertain significance (2). Last evaluated 2024-01-19.

Allele frequency attached by ClinVar (database versions not stated): 1000 Genomes Project 30x 0.00016.
gnomAD v4.1: 71 of 1,614,128 alleles (0.0044%); highest among the groups gnomAD compares: East Asian, 0.02%; no homozygotes.

Submissions (2):

Labcorp Genetics (formerly Invitae), Labcorp
Classification: Uncertain significance. Last evaluated: 2024-01-19. Review status: criteria provided, single submitter. Criteria: Invitae Variant Classification Sherloc (09022015). Collection method: clinical testing. Allele origin: germline.
Comment: This sequence change replaces arginine, which is basic and polar, with leucine, which is neutral and non-polar, at codon 222 of the CEP250 protein (p.Arg222Leu). This variant is present in population databases (rs78174774, gnomAD 0.01%). This variant has not been reported in the literature in individuals affected with CEP250-related conditions. ClinVar contains an entry for this variant (Variation ID: 1374256). An algorithm developed to predict the effect of missense changes on protein structure and function (PolyPhen-2) suggests that this variant is likely to be disruptive. Algorithms developed to predict the effect of sequence changes on RNA splicing suggest that this variant may disrupt the consensus splice site. In summary, the available evidence is currently insufficient to determine the role of this variant in disease. Therefore, it has been classified as a Variant of Uncertain Significance.

Blueprint Genetics
Classification: Uncertain significance. Last evaluated: 2021-06-11. Review status: criteria provided, single submitter. Criteria: ACMG Guidelines, 2015. Collection method: clinical testing. Allele origin: germline.